The following is an entry in ClinVar:

NM_001130823.3(DNMT1):c.3759G>A (p.Ser1253=)

Gene: DNMT1 (DNA methyltransferase 1; minus strand). Cytogenetic location: 19p13.2.
Variant type: single nucleotide variant.
Coding change: c.3759G>A on transcript NM_001130823.3 (MANE Select); coding-DNA position 3759, G replaced by A.
Protein change: p.Ser1253=; no amino-acid change (serine 1253 retained).
Molecular consequence: synonymous variant.
Genome position (GRCh38, 1-based): chr19:10,140,093, C>T on the plus strand (G>A on the coding strand, the complement: DNMT1 is on the minus strand). VCF-style: chr19-10140093-C-T. GRCh37 (hg19) VCF-style: chr19-10250769-C-T.
Other names: c.3711G>A, p.Ser1237= (NM_001318730.2, NM_001379.4); c.3396G>A, p.Ser1132= (NM_001318731.2); c.3759G>A (NM_001130823.2).
Identifiers: ClinVar variation 3777966 (VCV003777966.8).

ClinVar aggregate classification (germline): Likely benign. Review status: criteria provided, multiple submitters, no conflicts (2 of 4 stars). 2 submissions from 2 submitters: Likely benign (2). Last evaluated 2025-12-18.

Conditions:
DNMT1-related disorder. Also called: DNMT1-related condition. Identifiers: MedGen CN381527.

gnomAD v4.1: 6 of 1,613,638 alleles (0.00037%); highest among the groups gnomAD compares: African/African-American, 0.0027%; no homozygotes.

Submissions (2):

PreventionGenetics, part of Exact Sciences
Classification: Likely benign for DNMT1-related condition. Last evaluated: 2025-12-18. Review status: criteria provided, single submitter. Criteria: ACMG Guidelines, 2015. Collection method: clinical testing. Allele origin: germline.
Comment: This variant is classified as likely benign based on ACMG/AMP sequence variant interpretation guidelines (Richards et al. 2015 PMID: 25741868, with internal and published modifications).

CeGaT Center for Human Genetics Tuebingen
Classification: Likely benign. Last evaluated: 2025-03-01. Review status: criteria provided, single submitter. Criteria: CeGaT Center For Human Genetics Tuebingen Variant Classification Criteria Version 2. Collection method: clinical testing. Allele origin: germline. Affected: yes. Observed: 1 variant allele.
Comment: DNMT1: BP4, BP7